The following is an entry in ClinVar:

ClinVar aggregate classification (germline): Conflicting classifications of pathogenicity. Review status: criteria provided, conflicting classifications (1 of 4 stars). 12 submissions from 11 submitters: Uncertain significance (1); Benign (7); Likely benign (4). Last evaluated 2026-09-01.

Conditions:
X-linked agammaglobulinemia (XLA). Also called: Agammaglobulinemia, Bruton tyrosine kinase; Agammaglobulinemia, BTK; BTK-deficiency; Bruton's agammaglobulinemia; IMMUNODEFICIENCY 1; AGAMMAGLOBULINEMIA, X-LINKED, TYPE 1. Identifiers: Orphanet 229717, Orphanet 47, MedGen C0221026, MONDO:0010421, OMIM 300755.
X-linked agammaglobulinemia with growth hormone deficiency (IGHD3). Also called: AGAMMAGLOBULINEMIA AND ISOLATED GROWTH HORMONE DEFICIENCY, X-LINKED; Isolated growth hormone deficiency type 3; Growth hormone deficiency with hypogammaglobulinemia; FLEISHER SYNDROME; HYPOGAMMAGLOBULINEMIA AND ISOLATED GROWTH HORMONE DEFICIENCY, X-LINKED; IGHD III. Identifiers: Orphanet 231692, Orphanet 631, MedGen C0472813, MONDO:0010615, OMIM 307200.

Allele frequency attached by ClinVar (database versions not stated): 1000 Genomes Project 0.00344; 1000 Genomes Project 30x 0.00354; ExAC 0.00465; gnomAD exomes 0.00482 and 0.00797; gnomAD 0.00608 and 0.00620; ESP Exome Variant Server 0.00625; TOPMed 0.00666.
gnomAD v4.1: 9,344 of 1,209,389 alleles (0.77%); highest among the groups gnomAD compares: Non-Finnish European, 0.94%; 29 homozygotes.

Submissions (12):

CeGaT Center for Human Genetics Tuebingen
Classification: Benign. Last evaluated: 2026-09-01. Review status: criteria provided, single submitter. Criteria: CeGaT Center For Human Genetics Tuebingen Variant Classification Criteria Version 2. Collection method: clinical testing. Allele origin: germline. Affected: yes. Observed: 29 variant alleles.
Comment: BTK: BP4, BS1, BS2

Labcorp Genetics (formerly Invitae), Labcorp
Classification: Benign for X-linked agammaglobulinemia with growth hormone deficiency. Last evaluated: 2026-02-01. Review status: criteria provided, single submitter. Criteria: Invitae Variant Classification Sherloc (09022015). Collection method: clinical testing. Allele origin: germline.

Blueprint Genetics
Classification: Likely benign. Last evaluated: 2024-11-28. Review status: criteria provided, single submitter. Criteria: ACMG Guidelines, 2015. Collection method: clinical testing. Allele origin: germline.

ARUP Laboratories, Molecular Genetics and Genomics, ARUP Laboratories
Classification: Benign. Last evaluated: 2024-11-23. Review status: criteria provided, single submitter. Criteria: ARUP Molecular Germline Variant Investigation Process 2024. Collection method: clinical testing. Allele origin: germline.

Mendelics
Classification: Likely benign for X-linked agammaglobulinemia. Last evaluated: 2019-05-28. Review status: criteria provided, single submitter. Criteria: Mendelics Assertion Criteria 2017. Collection method: clinical testing. Allele origin: unknown.

Illumina Laboratory Services, Illumina
Classification: Likely benign for X-linked agammaglobulinemia with growth hormone deficiency. Last evaluated: 2017-04-27. Review status: criteria provided, single submitter. Criteria: ICSL Variant Classification Criteria 13 December 2019. Collection method: clinical testing. Allele origin: germline.
Comment: This variant was observed as part of a predisposition screen in an ostensibly healthy population. A literature search was performed for the gene, cDNA change, and amino acid change (where applicable). No publications were found based on this search. Allele frequency data from public databases allowed determination this variant is unlikely to cause disease. Therefore, this variant is classified as likely benign.

Illumina Laboratory Services, Illumina
Classification: Likely benign for X-linked agammaglobulinemia. Last evaluated: 2017-04-27. Review status: criteria provided, single submitter. Criteria: ICSL Variant Classification Criteria 13 December 2019. Collection method: clinical testing. Allele origin: germline.
Comment: This variant was observed as part of a predisposition screen in an ostensibly healthy population. A literature search was performed for the gene, cDNA change, and amino acid change (where applicable). Publications were found based on this search. The evidence from the literature, in combination with allele frequency data from public databases where available, was sufficient to determine this variant is unlikely to cause disease. Therefore, this variant is classified as likely benign.

Women's Health and Genetics/Laboratory Corporation of America, LabCorp
Classification: Benign. Last evaluated: 2017-03-03. Review status: criteria provided, single submitter. Criteria: LabCorp Variant Classification Summary - May 2015. Collection method: clinical testing. Allele origin: germline.
Comment: Variant summary: The BTK c.141+11C>T variant involves the alteration of a non-conserved intronic nucleotide. Mutation tested predicts a benign outcome for this variant. 5/5 splice prediction tools predict no significant impact on normal splicing. These predictions have yet to be confirmed by functional studies. This variant was found in the large control population database ExAC (410/87888 control chromosomes including 160 hemizygotes) at a frequency of 0.004665, which is approximately 2 times the estimated maximal expected allele frequency of a pathogenic BTK variant (0.0023049), suggesting this variant is likely a benign polymorphism. Multiple clinical diagnostic laboratories/reputable databases have classified this variant as likely benign or benign. Published studies als support for benign outcome -- this variant was found not to cosegregate with XLA in a family (Conley_2008) and was found in a family with primary immunodeficiency disease that had alternate molecular mechanism (Stray-Pedersen_2017). Taken together, this variant is classified as benign.

Eurofins Ntd Llc (ga)
Classification: Benign. Last evaluated: 2016-12-28. Review status: criteria provided, single submitter. Criteria: EGL Classification Definitions 2015. Collection method: clinical testing. Allele origin: germline. Observed: 2 variant alleles, 1 heterozygote, 1 hemizygote.

Mayo Clinic Laboratories, Mayo Clinic
Classification: Uncertain significance for X-linked agammaglobulinemia with growth hormone deficiency; X-linked agammaglobulinemia. Last evaluated: 2016-06-23. Review status: criteria provided, single submitter. Criteria: ACMG Guidelines, 2015. Collection method: clinical testing. Allele origin: maternal.

Center for Pediatric Genomic Medicine, Children's Mercy Hospital and Clinics
Classification: Benign. Last evaluated: 2015-10-30. Review status: criteria provided, single submitter. Criteria: ACMG Guidelines, 2015. Collection method: clinical testing. Allele origin: germline.

GeneDx
Classification: Benign. Last evaluated: 2015-08-17. Review status: criteria provided, single submitter. Criteria: GeneDx Variant Classification (06012015). Collection method: clinical testing. Allele origin: germline. Affected: yes.
Comment: This variant is considered likely benign or benign based on one or more of the following criteria: it is a conservative change, it occurs at a poorly conserved position in the protein, it is predicted to be benign by multiple in silico algorithms, and/or has population frequency not consistent with disease.

Literature cited by the submitters: PubMed 12655572 (cited by Illumina Laboratory Services, Illumina and Women's Health and Genetics/Laboratory Corporation of America, LabCorp); PubMed 27577878 (cited by Women's Health and Genetics/Laboratory Corporation of America, LabCorp); PubMed 18241230 (cited by Women's Health and Genetics/Laboratory Corporation of America, LabCorp); PubMed 9260159 (cited by Women's Health and Genetics/Laboratory Corporation of America, LabCorp).

NM_000061.3(BTK):c.141+11C>T

Gene: BTK (Bruton tyrosine kinase; minus strand). Cytogenetic location: Xq22.1.
Variant type: single nucleotide variant.
Coding change: c.141+11C>T on transcript NM_000061.3 (MANE Select); 11 bases into the intron after coding-DNA position 141, C replaced by T.
Molecular consequence: intron variant.
Genome position (GRCh38, 1-based): chrX:101,375,133, G>A on the plus strand (C>T on the coding strand, the complement: BTK is on the minus strand). VCF-style: chrX-101375133-G-A. GRCh37 (hg19) VCF-style: chrX-100630121-G-A.
Other names: c.243+11C>T (NM_001287344.2); c.141+11C>T (NM_001287345.2).
Identifiers: ClinVar variation 235712 (VCV000235712.47), dbSNP rs138411530, ClinGen allele CA10473231.